The following is an entry in ClinVar:

ClinVar aggregate classification (germline): Likely pathogenic (1 of 4 stars; one submission).

Submission:

Center for Genomic Medicine, Rigshospitalet, Copenhagen University Hospital
Classification: Likely pathogenic. Last evaluated: 2025-12-29. Review status: criteria provided, single submitter. Criteria: ACMG Guidelines, 2015. Collection method: clinical testing. Allele origin: germline.
Comment: Classification criteria: PVS1, PM2_sup

NM_001903.5(CTNNA1):c.1479dup (p.Gln494fs)

Gene: CTNNA1 (catenin alpha 1; plus strand). Cytogenetic location: 5q31.2.
Variant type: Duplication.
Coding change: c.1479dup on transcript NM_001903.5 (MANE Select); coding-DNA position 1479, one base duplicated (A; older notation c.1479dupA).
Protein change: p.Gln494fs; shifts the reading frame from glutamine 494.
Molecular consequence: frameshift variant.
Genome position (GRCh38, 1-based): chr5:138,917,831, A duplicated; the last of 5 consecutive A bases (chr5:138,917,827-138,917,831); duplicating any one gives the same sequence. VCF-style (leftmost placement, unchanged base first): chr5-138917826-G-GA. GRCh37 (hg19) VCF-style: chr5-138253515-G-GA.
Other names: c.1479dup, p.Gln494fs (NM_001290307.3, NM_001323982.2, NM_001323983.1 and 2 more transcripts); c.1170dup, p.Gln391fs (NM_001290309.3); c.1110dup, p.Gln371fs (NM_001290310.3); c.369dup, p.Gln124fs (NM_001290312.1, NM_001323987.1, NM_001323988.1 and 17 more transcripts); c.1386dup, p.Gln463fs (NM_001323986.2); c.30dup, p.Gln11fs (NM_001324006.1, NM_001324007.1, NM_001324008.1 and 2 more transcripts); c.276dup, p.Gln93fs (NM_001324011.1); c.126dup, p.Gln43fs (NM_001324012.1, NM_001324013.1); and 1 more; short protein forms Q11fs, Q124fs, Q371fs, Q391fs, Q43fs, Q463fs, Q494fs, Q93fs.
Identifiers: ClinVar variation 4539471 (VCV004539471.1).